The following is an entry in ClinVar:

ClinVar aggregate classification (germline): Likely pathogenic (1 of 4 stars; one submission).

Allele frequency attached by ClinVar (database versions not stated): TOPMed below 0.00001.

Submission:

Labcorp Genetics (formerly Invitae), Labcorp
Classification: Likely pathogenic. Last evaluated: 2023-01-23. Review status: criteria provided, single submitter. Criteria: Invitae Variant Classification Sherloc (09022015). Collection method: clinical testing. Allele origin: germline.
Comment: This variant has not been reported in the literature in individuals affected with ERCC2-related conditions. This variant is not present in population databases (gnomAD no frequency). This sequence change affects a donor splice site in intron 1 of the ERCC2 gene. It is expected to disrupt RNA splicing. Variants that disrupt the donor or acceptor splice site typically lead to a loss of protein function (PMID: 16199547), and loss-of-function variants in ERCC2 are known to be pathogenic (PMID: 9238033, 11335038, 19085937, 19934020). Algorithms developed to predict the effect of sequence changes on RNA splicing suggest that this variant may disrupt the consensus splice site. In summary, the currently available evidence indicates that the variant is pathogenic, but additional data are needed to prove that conclusively. Therefore, this variant has been classified as Likely Pathogenic.

Literature cited by the submitters: PubMed 16199547; PubMed 9238033; PubMed 11335038; PubMed 19085937; PubMed 19934020.

NM_000400.4(ERCC2):c.5+1G>A

Gene: ERCC2 (ERCC excision repair 2, TFIIH core complex helicase subunit; minus strand). Cytogenetic location: 19q13.32.
Variant type: single nucleotide variant.
Coding change: c.5+1G>A on transcript NM_000400.4 (MANE Select); the canonical splice donor site of the intron after coding-DNA position 5, G replaced by A.
Molecular consequence: splice donor variant. On other transcripts: 5 prime UTR variant (1).
Genome position (GRCh38, 1-based): chr19:45,370,535, C>T on the plus strand (G>A on the coding strand, the complement: ERCC2 is on the minus strand). VCF-style: chr19-45370535-C-T. GRCh37 (hg19) VCF-style: chr19-45873793-C-T.
Other names: c.-370G>A (NM_001130867.2).
Identifiers: ClinVar variation 2880216 (VCV002880216.3), dbSNP rs973795374, ClinGen allele CA308975711.
Genomic context (GRCh38, chr19:45,370,535, plus strand): 5'-GACCCCATCTTCAAGACCCCCCGCGCCCGCTAGCGAGCGCGACCCCCAGCCCCCTTCTCA[C>T]TTCATGGCGCCGGCCGGACTGTGCAGCGGGGTCGACCCGCCTCCCTCATGAATATTCAGC-3'